The following is an entry in ClinVar:

NM_005612.5(REST):c.2486A>G (p.Glu829Gly)

Gene: REST (RE1 silencing transcription factor; plus strand). Cytogenetic location: 4q12.
Variant type: single nucleotide variant.
Coding change: c.2486A>G on transcript NM_005612.5 (MANE Select); coding-DNA position 2486, A replaced by G.
Protein change: p.Glu829Gly; replaces glutamic acid 829 with glycine.
Molecular consequence: missense variant.
Genome position (GRCh38, 1-based): chr4:56,931,344, A>G. VCF-style: chr4-56931344-A-G. GRCh37 (hg19) VCF-style: chr4-57797510-A-G.
Other names: c.2486A>G, p.Glu829Gly (NM_001193508.2, NM_001363453.3); short protein forms E829G.
Identifiers: ClinVar variation 850478 (VCV000850478.27), dbSNP rs146942863, ClinGen allele CA2932495.

ClinVar aggregate classification (germline): Conflicting classifications of pathogenicity. Review status: criteria provided, conflicting classifications (1 of 4 stars). 4 submissions from 4 submitters: Uncertain significance (1); Likely benign (2). 1 of the submissions does not count toward it. Last evaluated 2025-12-05.

Conditions:
REST-related disorder. Also called: REST-related condition.

Allele frequency attached by ClinVar (database versions not stated): 1000 Genomes Project 0.00020; 1000 Genomes Project 30x 0.00031; ExAC 0.00031; gnomAD exomes 0.00038 and 0.00100; gnomAD 0.00052 and 0.00053; TOPMed 0.00059; ESP Exome Variant Server 0.00100.
gnomAD v4.1: 1,550 of 1,614,278 alleles (0.096%); highest among the groups gnomAD compares: Non-Finnish European, 0.12%; 4 homozygotes.

Submissions (4):

Labcorp Genetics (formerly Invitae), Labcorp
Classification: Likely benign. Last evaluated: 2025-12-05. Review status: criteria provided, single submitter. Criteria: Invitae Variant Classification Sherloc (09022015). Collection method: clinical testing. Allele origin: germline.

CeGaT Center for Human Genetics Tuebingen
Classification: Likely benign. Last evaluated: 2024-11-01. Review status: criteria provided, single submitter. Criteria: CeGaT Center For Human Genetics Tuebingen Variant Classification Criteria Version 2. Collection method: clinical testing. Allele origin: germline. Affected: yes. Observed: 1 variant allele.
Comment: REST: BP4

GeneDx
Classification: Uncertain significance. Last evaluated: 2021-11-08. Review status: criteria provided, single submitter. Criteria: GeneDx Variant Classification Process June 2021. Collection method: clinical testing. Allele origin: germline. Affected: yes.
Comment: In silico analysis supports that this missense variant does not alter protein structure/function; Has not been previously published as pathogenic or benign to our knowledge; Variants in candidate genes are classified as variants of uncertain significance in accordance with ACMG guidelines (Richards 2015); This variant is associated with the following publications: (PMID: 28166811)

PreventionGenetics, part of Exact Sciences
Classification: Likely benign for REST-related condition. Last evaluated: 2022-02-28. Review status: no assertion criteria provided. Collection method: clinical testing. Allele origin: germline. Not counted in ClinVar's aggregate classification.
Comment: This variant is classified as likely benign based on ACMG/AMP sequence variant interpretation guidelines (Richards et al. 2015 PMID: 25741868, with internal and published modifications).